The following is an entry in ClinVar:

ClinVar aggregate classification (germline): Benign/Likely benign. Review status: criteria provided, multiple submitters, no conflicts (2 of 4 stars). 7 submissions from 7 submitters: Benign (4); Likely benign (2). 1 of the submissions does not count toward it. Last evaluated 2026-09-01.

Conditions:
SETBP1-related disorder. Also called: SETBP1-related condition; SETBP1-related disorders.

Allele frequency attached by ClinVar (database versions not stated): ESP Exome Variant Server 0.00062; gnomAD 0.00073.
gnomAD v4.1: 1,825 of 1,613,756 alleles (0.11%); highest among the groups gnomAD compares: Non-Finnish European, 0.15%; 4 homozygotes.

Submissions (7):

CeGaT Center for Human Genetics Tuebingen
Classification: Likely benign. Last evaluated: 2026-09-01. Review status: criteria provided, single submitter. Criteria: CeGaT Center For Human Genetics Tuebingen Variant Classification Criteria Version 2. Collection method: clinical testing. Allele origin: germline. Affected: yes. Observed: 3 variant alleles.
Comment: SETBP1: BP4, BS1

Labcorp Genetics (formerly Invitae), Labcorp
Classification: Benign. Last evaluated: 2026-01-01. Review status: criteria provided, single submitter. Criteria: Invitae Variant Classification Sherloc (09022015). Collection method: clinical testing. Allele origin: germline.

Blueprint Genetics
Classification: Likely benign. Last evaluated: 2024-11-19. Review status: criteria provided, single submitter. Criteria: ACMG Guidelines, 2015. Collection method: clinical testing. Allele origin: germline.

Mayo Clinic Laboratories, Mayo Clinic
Classification: Benign. Last evaluated: 2024-09-30. Review status: criteria provided, single submitter. Criteria: ACMG Guidelines, 2015. Collection method: clinical testing. Allele origin: germline. Observed: 1 variant allele.
Comment: BS1, BS2, BP4, BP7

GeneDx
Classification: Benign. Last evaluated: 2020-09-11. Review status: criteria provided, single submitter. Criteria: GeneDx Variant Classification Process June 2021. Collection method: clinical testing. Allele origin: germline. Affected: yes.

Athena Diagnostics
Classification: Benign. Last evaluated: 2017-05-08. Review status: criteria provided, single submitter. Criteria: Athena Diagnostics Criteria. Collection method: clinical testing. Allele origin: germline.

PreventionGenetics, part of Exact Sciences
Classification: Likely benign for SETBP1-related condition. Last evaluated: 2019-04-02. Review status: no assertion criteria provided. Collection method: clinical testing. Allele origin: germline. Not counted in ClinVar's aggregate classification.
Comment: This variant is classified as likely benign based on ACMG/AMP sequence variant interpretation guidelines (Richards et al. 2015 PMID: 25741868, with internal and published modifications).

NM_015559.3(SETBP1):c.4234C>A (p.Arg1412=)

Gene: SETBP1 (SET binding protein 1; plus strand). Cytogenetic location: 18q12.3.
Variant type: single nucleotide variant.
Coding change: c.4234C>A on transcript NM_015559.3 (MANE Select); coding-DNA position 4234, C replaced by A.
Protein change: p.Arg1412=; no amino-acid change (arginine 1412 retained).
Molecular consequence: synonymous variant.
Genome position (GRCh38, 1-based): chr18:45,063,141, C>A. VCF-style: chr18-45063141-C-A. GRCh37 (hg19) VCF-style: chr18-42643106-C-A.
Other names: p.Arg1412=; c.4234C>A, p.Arg1412= (LRG_1150t1).
Identifiers: ClinVar variation 326762 (VCV000326762.36), dbSNP rs145996171, ClinGen allele CA8946126.